The following is an entry in ClinVar:

NM_152703.5(SAMD9L):c.131G>A (p.Gly44Glu)

Gene: SAMD9L (sterile alpha motif domain containing 9 like; minus strand). Cytogenetic location: 7q21.2.
Variant type: single nucleotide variant.
Coding change: c.131G>A on transcript NM_152703.5 (MANE Select); coding-DNA position 131, G replaced by A.
Protein change: p.Gly44Glu; replaces glycine 44 with glutamic acid.
Molecular consequence: missense variant.
Genome position (GRCh38, 1-based): chr7:93,135,841, C>T on the plus strand (G>A on the coding strand, the complement: SAMD9L is on the minus strand). VCF-style: chr7-93135841-C-T. GRCh37 (hg19) VCF-style: chr7-92765154-C-T.
Other names: c.131G>A, p.Gly44Glu (NM_001303496.3, NM_001303497.3, NM_001303498.3 and 5 more transcripts); c.131G>A (NM_152703.2); short protein forms G44E.
Identifiers: ClinVar variation 1473301 (VCV001473301.9), dbSNP rs762289342, ClinGen allele CA4343927.

ClinVar aggregate classification (germline): Uncertain significance. Review status: criteria provided, multiple submitters, no conflicts (2 of 4 stars). 2 submissions from 2 submitters: Uncertain significance (2). Last evaluated 2024-12-29.

Conditions:
Inborn genetic diseases. Identifiers: MedGen C0950123, MeSH D030342.

Allele frequency attached by ClinVar (database versions not stated): gnomAD exomes 0.00001 and 0.00002; ExAC 0.00002; gnomAD 0.00002.
gnomAD v4.1: 10 of 1,613,890 alleles (0.00062%); highest among the groups gnomAD compares: Admixed American, 0.0067%; no homozygotes.

Submissions (2):

Ambry Genetics
Classification: Uncertain significance for Inborn genetic diseases. Last evaluated: 2024-12-29. Review status: criteria provided, single submitter. Criteria: Ambry Variant Classification Scheme 2023. Collection method: clinical testing. Allele origin: germline.
Comment: The p.G44E variant (also known as c.131G>A), located in coding exon 1 of the SAMD9L gene, results from a G to A substitution at nucleotide position 131. The glycine at codon 44 is replaced by glutamic acid, an amino acid with similar properties. This amino acid position is conserved. In addition, this alteration is predicted to be deleterious by in silico analysis. Based on the available evidence, the clinical significance of this variant remains unclear.

Labcorp Genetics (formerly Invitae), Labcorp
Classification: Uncertain significance. Last evaluated: 2022-05-27. Review status: criteria provided, single submitter. Criteria: Invitae Variant Classification Sherloc (09022015). Collection method: clinical testing. Allele origin: germline.
Comment: In summary, the available evidence is currently insufficient to determine the role of this variant in disease. Therefore, it has been classified as a Variant of Uncertain Significance. Algorithms developed to predict the effect of missense changes on protein structure and function are either unavailable or do not agree on the potential impact of this missense change (SIFT: "Not Available"; PolyPhen-2: "Probably Damaging"; Align-GVGD: "Not Available"). This variant has not been reported in the literature in individuals affected with SAMD9L-related conditions. This variant is present in population databases (rs762289342, gnomAD 0.01%). This sequence change replaces glycine, which is neutral and non-polar, with glutamic acid, which is acidic and polar, at codon 44 of the SAMD9L protein (p.Gly44Glu).